The following is an entry in ClinVar:

ClinVar aggregate classification (germline): Likely benign. Review status: criteria provided, multiple submitters, no conflicts (2 of 4 stars). 3 submissions from 3 submitters: Likely benign (3). Last evaluated 2023-03-23.

Conditions:
Hereditary cancer-predisposing syndrome. Also called: Hereditary Cancer Syndrome; Hereditary neoplastic syndrome; Neoplastic Syndromes, Hereditary; Tumor predisposition. Identifiers: Orphanet 140162, MedGen C0027672, MeSH D009386, MONDO:0015356.
Hereditary breast ovarian cancer syndrome. Also called: Hereditary breast and ovarian cancer syndrome; Hereditary breast and ovarian cancer; Breast and ovarian cancer; BRCA1- and BRCA2-Associated Hereditary Breast and Ovarian Cancer; Hereditary breast and/or ovarian cancer syndrome; Hereditary breast and ovarian cancer syndrome (HBOC). Identifiers: Orphanet 145, MedGen C0677776, MeSH D061325, MONDO:0003582. Disease mechanism: loss of function.

Submissions (3):

Labcorp Genetics (formerly Invitae), Labcorp
Classification: Likely benign for Hereditary breast ovarian cancer syndrome. Last evaluated: 2023-03-23. Review status: criteria provided, single submitter. Criteria: Invitae Variant Classification Sherloc (09022015). Collection method: clinical testing. Allele origin: germline.

Ambry Genetics
Classification: Likely benign for Hereditary cancer-predisposing syndrome. Last evaluated: 2017-06-13. Review status: criteria provided, single submitter. Criteria: Ambry Variant Classification Scheme 2023. Collection method: clinical testing. Allele origin: germline.

GeneDx
Classification: Likely benign. Last evaluated: 2016-02-05. Review status: criteria provided, single submitter. Criteria: GeneDx Variant Classification (06012015). Collection method: clinical testing. Allele origin: germline. Affected: yes.
Comment: This variant is considered likely benign or benign based on one or more of the following criteria: it is a conservative change, it occurs at a poorly conserved position in the protein, it is predicted to be benign by multiple in silico algorithms, and/or has population frequency not consistent with disease.

NM_000059.4(BRCA2):c.1161T>C (p.Val387=)

Gene: BRCA2 (BRCA2 DNA repair associated; plus strand). Cytogenetic location: 13q13.1.
Variant type: single nucleotide variant.
Coding change: c.1161T>C on transcript NM_000059.4 (MANE Select); coding-DNA position 1161, T replaced by C.
Protein change: p.Val387=; no amino-acid change (valine 387 retained).
Molecular consequence: synonymous variant.
Genome position (GRCh38, 1-based): chr13:32,332,639, T>C. VCF-style: chr13-32332639-T-C. GRCh37 (hg19) VCF-style: chr13-32906776-T-C.
Identifiers: ClinVar variation 383745 (VCV000383745.14), dbSNP rs1057521723, ClinGen allele CA16606410.